The following is an entry in ClinVar:

ClinVar aggregate classification (germline): Likely pathogenic (1 of 4 stars; one submission).

Conditions:
Developmental delay, impaired speech, and behavioral abnormalities, with or without seizures (DEDISB). Identifiers: MedGen C5575272, MONDO:0859263, OMIM 619964.

Submission:

Laboratorio de Genetica e Diagnostico Molecular, Hospital Israelita Albert Einstein
Classification: Likely pathogenic for Developmental delay, impaired speech, and behavioral abnormalities, with or without seizures. Last evaluated: 2022-11-18. Review status: criteria provided, single submitter. Criteria: ACMG Guidelines, 2015. Collection method: clinical testing. Allele origin: germline. Affected: yes.
Comment: ACMG classification criteria: PVS1 very strong, PM2 moderate

NM_006421.5(ARFGEF1):c.2860_2861del (p.Thr954fs)

Gene: ARFGEF1 (ARF guanine nucleotide exchange factor 1; minus strand). Cytogenetic location: 8q13.2.
Variant type: Deletion.
Coding change: c.2860_2861del on transcript NM_006421.5 (MANE Select); coding-DNA positions 2860 to 2861, 2 bases deleted (AC; older notation c.2860_2861delAC).
Protein change: p.Thr954fs; shifts the reading frame from threonine 954.
Molecular consequence: frameshift variant.
Genome position (GRCh38, 1-based): chr8:67,240,280-67,240,281, GT deleted on the plus strand (AC on the coding strand, the reverse complement: ARFGEF1 is on the minus strand). VCF-style (leftmost placement, unchanged base first): chr8-67240279-CGT-C. GRCh37 (hg19) VCF-style: chr8-68152514-CGT-C.
Other names: c.2860_2861delAC, p.Thr954Alafs (NM_001413184.1, NM_001413185.1, NM_001413186.1 and 6 more transcripts); c.2260_2261delAC, p.Thr754Alafs (NM_001413188.1, NM_001413193.1, NM_001413197.1); c.2854_2855delAC, p.Thr952Alafs (NM_001413190.1); c.1435_1436delAC, p.Thr479Alafs (NM_001413196.1); short protein forms T954fs.
Identifiers: ClinVar variation 3901060 (VCV003901060.1).